The following is an entry in ClinVar:

NM_014629.4(ARHGEF10):c.180C>T (p.Ala60=)

Gene: ARHGEF10 (Rho guanine nucleotide exchange factor 10; plus strand). Cytogenetic location: 8p23.3.
Variant type: single nucleotide variant.
Coding change: c.180C>T on transcript NM_014629.4 (MANE Select); coding-DNA position 180, C replaced by T.
Protein change: p.Ala60=; no amino-acid change (alanine 60 retained).
Molecular consequence: synonymous variant.
Genome position (GRCh38, 1-based): chr8:1,858,102, C>T. VCF-style: chr8-1858102-C-T. GRCh37 (hg19) VCF-style: chr8-1806268-C-T.
Other names: c.180C>T, p.Ala60= (NM_001308152.2, NM_001308153.3); c.180C>T (NM_014629.3).
Identifiers: ClinVar variation 1621830 (VCV001621830.9), dbSNP rs111294316, ClinGen allele CA4599614.
Genomic context (GRCh38, chr8:1,858,102, plus strand): 5'-AGAAGCGGACAGACAGGCCCCATCCGCCCCTGAGACAGGAGGTGCTGGAGCCAGTGAAGC[C>T]CCTGCACCCACAGGTGAGTTTCCAGGAGGGTCCCCAGGTGAGTCCCCAGGTGGGTCCCCA-3'
Protein context (NP_055444.2, residues 50-70): PETGGAGASE[Ala60=]PAPTGGEDGA

ClinVar aggregate classification (germline): Benign/Likely benign. Review status: criteria provided, multiple submitters, no conflicts (2 of 4 stars). 2 submissions from 2 submitters: Benign (1); Likely benign (1). Last evaluated 2026-01-31.

Conditions:
ARHGEF10-related disorder. Also called: ARHGEF10-related condition.

Allele frequency attached by ClinVar (database versions not stated): ESP Exome Variant Server 0.00085; 1000 Genomes Project 30x 0.00094; 1000 Genomes Project 0.00100; TOPMed 0.00120; gnomAD 0.00157 and 0.00171; gnomAD exomes 0.00013 and 0.00027; ExAC 0.00032.
gnomAD v4.1: 371 of 1,559,314 alleles (0.024%); highest among the groups gnomAD compares: African/African-American, 0.55%; 1 homozygote.

Submissions (2):

Labcorp Genetics (formerly Invitae), Labcorp
Classification: Benign. Last evaluated: 2026-01-31. Review status: criteria provided, single submitter. Criteria: Invitae Variant Classification Sherloc (09022015). Collection method: clinical testing. Allele origin: germline.

PreventionGenetics, part of Exact Sciences
Classification: Likely benign for ARHGEF10-related condition. Last evaluated: 2025-04-24. Review status: criteria provided, single submitter. Criteria: ACMG Guidelines, 2015. Collection method: clinical testing. Allele origin: germline.
Comment: This variant is classified as likely benign based on ACMG/AMP sequence variant interpretation guidelines (Richards et al. 2015 PMID: 25741868, with internal and published modifications).